The following is an entry in ClinVar:

ClinVar aggregate classification (germline): Uncertain significance. Review status: criteria provided, multiple submitters, no conflicts (2 of 4 stars). 3 submissions from 3 submitters: Uncertain significance (3). Last evaluated 2025-03-15.

Conditions:
Cardiac arrhythmia. Also called: Cardiac rhythm disease; Arrhythmia. Identifiers: MedGen C0003811, MONDO:0007263, HP:0011675.
Long QT syndrome (LQTS). Identifiers: MedGen C0023976, MeSH D008133, MONDO:0002442. Disease mechanism: loss of function. Inheritance: Various modes of inheritance.

Allele frequency attached by ClinVar (database versions not stated): gnomAD 0.00001; gnomAD exomes 0.00001; TOPMed 0.00002.
gnomAD v4.1: 11 of 1,609,128 alleles (0.00068%); highest among the groups gnomAD compares: Non-Finnish European, 0.00085%; no homozygotes.

Submissions (3):

Labcorp Genetics (formerly Invitae), Labcorp
Classification: Uncertain significance for Long QT syndrome. Last evaluated: 2025-03-15. Review status: criteria provided, single submitter. Criteria: Invitae Variant Classification Sherloc (09022015). Collection method: clinical testing. Allele origin: germline.
Comment: This sequence change replaces alanine, which is neutral and non-polar, with valine, which is neutral and non-polar, at codon 547 of the KCNH2 protein (p.Ala547Val). This variant is not present in population databases (gnomAD no frequency). This variant has not been reported in the literature in individuals affected with KCNH2-related conditions. ClinVar contains an entry for this variant (Variation ID: 852580). An algorithm developed to predict the effect of missense changes on protein structure and function (PolyPhen-2) suggests that this variant is likely to be disruptive. Experimental studies have shown that this missense change does not substantially affect KCNH2 function (PMID: 20876384, 22359612). In summary, the available evidence is currently insufficient to determine the role of this variant in disease. Therefore, it has been classified as a Variant of Uncertain Significance.

All of Us Research Program, National Institutes of Health
Classification: Uncertain significance for Long QT syndrome. Last evaluated: 2023-10-06. Review status: criteria provided, single submitter. Criteria: ACMG Guidelines, 2015. Collection method: clinical testing. Allele origin: germline. Inheritance: Autosomal dominant inheritance. Observed: 3 variant alleles, 3 heterozygotes.
Comment: This missense variant replaces alanine with valine at codon 547 of the KCNH2 protein. Computational prediction suggests that this variant may have deleterious impact on protein structure and function (internally defined REVEL score threshold >= 0.7, PMID: 27666373). Functional studies have shown that this variant has no significant impact on channel function (PMID: 20876384, 22359612). To our knowledge, this variant has not been reported in individuals affected with cardiovascular disorders in the literature. This variant has not been identified in the general population by the Genome Aggregation Database (gnomAD). The available evidence is insufficient to determine the role of this variant in disease conclusively. Therefore, this variant is classified as a Variant of Uncertain Significance.

This study involves interpretation of variants in research participants for the purpose of population health screening. Participant phenotype was not available at the time of variant classification. Additional details can be found in publication PMID: 35346344, PMCID: PMC8962531

Color Diagnostics, LLC DBA Color Health
Classification: Uncertain significance for Cardiac arrhythmia. Last evaluated: 2023-05-09. Review status: criteria provided, single submitter. Criteria: ACMG Guidelines, 2015. Collection method: clinical testing. Allele origin: germline.
Comment: This missense variant replaces alanine with valine at codon 547 of the KCNH2 protein. Computational prediction suggests that this variant may have deleterious impact on protein structure and function (internally defined REVEL score threshold >= 0.7, PMID: 27666373). Functional studies have shown that this variant has no significant impact on channel function (PMID: 20876384, 22359612). To our knowledge, this variant has not been reported in individuals affected with cardiovascular disorders in the literature. This variant has not been identified in the general population by the Genome Aggregation Database (gnomAD). The available evidence is insufficient to determine the role of this variant in disease conclusively. Therefore, this variant is classified as a Variant of Uncertain Significance.

Literature cited by the submitters: PubMed 20876384 (cited by 3 submitters); PubMed 22359612 (cited by 3 submitters).

NM_000238.4(KCNH2):c.1640C>T (p.Ala547Val)

Gene: KCNH2 (potassium voltage-gated channel subfamily H member 2; minus strand). Cytogenetic location: 7q36.1.
Variant type: single nucleotide variant.
Coding change: c.1640C>T on transcript NM_000238.4 (MANE Select); coding-DNA position 1640, C replaced by T.
Protein change: p.Ala547Val; replaces alanine 547 with valine.
Molecular consequence: missense variant.
Genome position (GRCh38, 1-based): chr7:150,951,753, G>A on the plus strand (C>T on the coding strand, the complement: KCNH2 is on the minus strand). VCF-style: chr7-150951753-G-A. GRCh37 (hg19) VCF-style: chr7-150648841-G-A.
Other names: c.620C>T, p.Ala207Val (NM_001204798.2, NM_172057.3); c.1352C>T, p.Ala451Val (NM_001406753.1, NM_001406756.1); c.1463C>T, p.Ala488Val (NM_001406755.1); c.1340C>T, p.Ala447Val (NM_001406757.1); c.1640C>T, p.Ala547Val (NM_172056.3); short protein forms A207V, A547V, A451V, A488V, A447V.
Identifiers: ClinVar variation 852580 (VCV000852580.18), dbSNP rs1473812774, ClinGen allele CA369858978.